The following is an entry in ClinVar:

ClinVar aggregate classification (germline): Uncertain significance (1 of 4 stars; one submission).

Submission:

Labcorp Genetics (formerly Invitae), Labcorp
Classification: Uncertain significance. Last evaluated: 2025-05-02. Review status: criteria provided, single submitter. Criteria: Invitae Variant Classification Sherloc (09022015). Collection method: clinical testing. Allele origin: germline.
Comment: This sequence change replaces serine, which is neutral and polar, with glycine, which is neutral and non-polar, at codon 1546 of the TNRC6B protein (p.Ser1546Gly). This variant is not present in population databases (gnomAD no frequency). This variant has not been reported in the literature in individuals affected with TNRC6B-related conditions. An algorithm developed to predict the effect of missense changes on protein structure and function (PolyPhen-2) suggests that this variant is likely to be disruptive. In summary, the available evidence is currently insufficient to determine the role of this variant in disease. Therefore, it has been classified as a Variant of Uncertain Significance.

NM_001162501.2(TNRC6B):c.4636A>G (p.Ser1546Gly)

Gene: TNRC6B (trinucleotide repeat containing adaptor 6B; plus strand). Cytogenetic location: 22q13.1.
Variant type: single nucleotide variant.
Coding change: c.4636A>G on transcript NM_001162501.2 (MANE Select); coding-DNA position 4636, A replaced by G.
Protein change: p.Ser1546Gly; replaces serine 1546 with glycine.
Molecular consequence: missense variant.
Genome position (GRCh38, 1-based): chr22:40,312,955, A>G. VCF-style: chr22-40312955-A-G. GRCh37 (hg19) VCF-style: chr22-40708959-A-G.
Other names: c.2224A>G, p.Ser742Gly (NM_001024843.2); c.4306A>G, p.Ser1436Gly (NM_015088.3); short protein forms S1436G, S1546G, S742G.
Identifiers: ClinVar variation 4718821 (VCV004718821.1).